The following is an entry in ClinVar:

NM_000548.5(TSC2):c.-30+2T>C

Genes: TSC2 (TSC complex subunit 2; plus strand), LOC130058210 (ATAC-STARR-seq lymphoblastoid silent region 7024; plus strand). Cytogenetic location: 16p13.3.
Variant type: single nucleotide variant.
Coding change: c.-30+2T>C on transcript NM_000548.5 (MANE Select); the canonical splice donor site of the intron after 30 bases upstream of the start codon, T replaced by C.
Molecular consequence: splice donor variant.
Genome position (GRCh38, 1-based): chr16:2,048,067, T>C. VCF-style: chr16-2048067-T-C. GRCh37 (hg19) VCF-style: chr16-2098068-T-C.
Other names: c.-30+2T>C (NM_000548.4, NM_001406667.1, NM_001406668.1 and 14 more transcripts); c.-1767+2T>C (NM_001406693.1); c.-846+2T>C (NM_001406680.1, NM_001406683.1, NM_001406687.1); c.-1461+2T>C (NM_001406689.1, NM_001406690.1, NM_001406692.1 and 2 more transcripts); c.-1637+2T>C (NM_001406698.1); c.-1342+2T>C (NM_001406694.1, NM_001406695.1); c.-1449+2T>C (NM_001406696.1); c.-475+2T>C (NM_001406681.1); and 3 more.
Identifiers: ClinVar variation 207788 (VCV000207788.7), dbSNP rs796053514, ClinGen allele CA319604.

ClinVar aggregate classification (germline): Conflicting classifications of pathogenicity. Review status: criteria provided, conflicting classifications (1 of 4 stars). 4 submissions from 4 submitters: Uncertain significance (3); Likely benign (1). Last evaluated 2026-08-18.

Conditions:
TSC2-related disorder. Also called: TSC2-Related Disorders; TSC2-related condition.
Hereditary cancer-predisposing syndrome. Also called: Hereditary Cancer Syndrome; Neoplastic Syndromes, Hereditary; Tumor predisposition; Hereditary neoplastic syndrome. Identifiers: Orphanet 140162, MedGen C0027672, MeSH D009386, MONDO:0015356.

Allele frequency attached by ClinVar (database versions not stated): gnomAD exomes 0.00001; gnomAD 0.00007 and 0.00010; TOPMed 0.00008.

Submissions (4):

PreventionGenetics, part of Exact Sciences
Classification: Uncertain significance for TSC2-related condition. Last evaluated: 2026-08-18. Review status: criteria provided, single submitter. Criteria: ACMG Guidelines, 2015. Collection method: clinical testing. Allele origin: germline.
Comment: The TSC2 c.-30+2T>C variant is located in the 5' untranslated region. To our knowledge, this variant has not been reported in the literature. This variant is reported in 2 of ~31,000 alleles in gnomAD. This variant has conflicting interpretations of uncertain significance and likely benign in ClinVar (Variation ID: 207788). An adjacent nucleotide change has been reported in an individual from an epilepsy and neurodevelopmental disorder cohort study (c.-30+1G>C, Table S4, Lindy et al. 2018. PubMed ID: 29655203). At this time, the clinical significance of this variant is uncertain due to the absence of conclusive functional and genetic evidence.

Sema4
Classification: Uncertain significance for Hereditary cancer-predisposing syndrome. Last evaluated: 2021-08-06. Review status: criteria provided, single submitter. Criteria: Sema4 Curation Guidelines. Collection method: curation. Allele origin: germline.
Comment: The TSC2 c.-30+2T>C variant has not been reported in the literature to our knowledge. It destroys the canonical splice donor site of intron 1, however, exon 1 of the TSC2 gene is non-coding, and in the absence of RNA/functional studies, the effect of this sequence change is unknown. This variant was observed in 2/8688 chromosomes of the African subpopulation in the large and broad cohorts of the Genome Aggregation Database (PMID: 32461654) and has been reported in ClinVar (Variation ID 207788). The evidence is insufficient to meet ACMG/AMP criteria for classifying the variant as benign or pathogenic. Thus, the clinical significance of this variant is currently uncertain.

Blueprint Genetics
Classification: Uncertain significance. Last evaluated: 2021-04-06. Review status: criteria provided, single submitter. Criteria: ACMG Guidelines, 2015. Collection method: clinical testing. Allele origin: germline.

GeneDx
Classification: Likely benign. Last evaluated: 2017-10-13. Review status: criteria provided, single submitter. Criteria: GeneDx Variant Classification (06012015). Collection method: clinical testing. Allele origin: germline. Affected: yes.
Comment: This variant is considered likely benign or benign based on one or more of the following criteria: it is a conservative change, it occurs at a poorly conserved position in the protein, it is predicted to be benign by multiple in silico algorithms, and/or has population frequency not consistent with disease.